The following is an entry in ClinVar:

ClinVar aggregate classification (germline): Pathogenic (1 of 4 stars; one submission).

Submission:

Labcorp Genetics (formerly Invitae), Labcorp
Classification: Pathogenic. Last evaluated: 2021-12-08. Review status: criteria provided, single submitter. Criteria: Invitae Variant Classification Sherloc (09022015). Collection method: clinical testing. Allele origin: germline.
Comment: For these reasons, this variant has been classified as Pathogenic. This variant has not been reported in the literature in individuals affected with CWC27-related conditions. The frequency data for this variant in the population databases is considered unreliable, as metrics indicate poor data quality at this position in the gnomAD database. This sequence change creates a premature translational stop signal (p.Phe202Leufs*17) in the CWC27 gene. It is expected to result in an absent or disrupted protein product. Loss-of-function variants in CWC27 are known to be pathogenic (PMID: 28285769).

Literature cited by the submitters: PubMed 28285769.

NM_005869.4(CWC27):c.606del (p.Phe202fs)

Gene: CWC27 (CWC27 spliceosome associated cyclophilin; plus strand). Cytogenetic location: 5q12.3.
Variant type: Deletion.
Coding change: c.606del on transcript NM_005869.4 (MANE Select); coding-DNA position 606, one base deleted (T; older notation c.606delT).
Protein change: p.Phe202fs; shifts the reading frame from phenylalanine 202.
Molecular consequence: frameshift variant.
Genome position (GRCh38, 1-based): chr5:64,788,957, T deleted; the last of 4 consecutive T bases (chr5:64,788,954-64,788,957); deleting any one gives the same sequence. VCF-style (leftmost placement, unchanged base first): chr5-64788953-AT-A. GRCh37 (hg19) VCF-style: chr5-64084780-AT-A.
Other names: c.606del, p.Phe202fs (NM_001297644.1, NM_001297645.2, NM_001318000.2 and 1 more transcripts); short protein forms F202fs.
Identifiers: ClinVar variation 1419612 (VCV001419612.6), dbSNP rs777801764, ClinGen allele CA3282022.
Genomic context (GRCh38, chr5:64,788,953, plus strand): 5'-TATAAGTTTGATTTGACTTTCTCTTTCTTTTTTTTTTTCTTTCTTTTTTTTGGACTAGAA[AT>A]TTTAGTTTACTTTCATTTGGAGAGGAAGCTGAGGAAGAAGAGGAGGAAGTAAATCGAGTT-3'